The following is an entry in ClinVar:

NM_007055.4(POLR3A):c.1049-1G>A

Gene: POLR3A (RNA polymerase III subunit A; minus strand). Cytogenetic location: 10q22.3.
Variant type: single nucleotide variant.
Coding change: c.1049-1G>A on transcript NM_007055.4 (MANE Select); the canonical splice acceptor site of the intron before coding-DNA position 1049, G replaced by A.
Molecular consequence: splice acceptor variant.
Genome position (GRCh38, 1-based): chr10:78,021,683, C>T on the plus strand (G>A on the coding strand, the complement: POLR3A is on the minus strand). VCF-style: chr10-78021683-C-T. GRCh37 (hg19) VCF-style: chr10-79781441-C-T.
Other names: NC_000010.10:g.79781441C>T.
Identifiers: ClinVar variation 4365401 (VCV004365401.2).
Genomic context (GRCh38, chr10:78,021,683, plus strand): 5'-AGATGACTGTTCTGCCAGAAAAATCCACTCTCTTTCCTGAGAGATTTCCTCTAAATCGAC[C>T]TAAATAGCCAAAAACATGTCATAGGTCCCCATGGCATACCATGTGCTCATGGGAACAATA-3'

ClinVar aggregate classification (germline): Likely pathogenic (1 of 4 stars; one submission).

Submissions (2):

Labcorp Genetics (formerly Invitae), Labcorp
Classification: Likely pathogenic. Last evaluated: 2025-08-22. Review status: criteria provided, single submitter. Criteria: Invitae Variant Classification Sherloc (09022015). Collection method: clinical testing. Allele origin: germline.
Comment: This sequence change affects an acceptor splice site in intron 7 of the POLR3A gene. It is expected to disrupt RNA splicing. Variants that disrupt the donor or acceptor splice site typically lead to a loss of protein function (PMID: 16199547), and loss-of-function variants in POLR3A are known to be pathogenic (PMID: 21855841, 25339210, 27612211, 30414627, 30450527). This variant is not present in population databases (gnomAD no frequency). This variant has not been reported in the literature in individuals affected with POLR3A-related conditions. Algorithms developed to predict the effect of sequence changes on RNA splicing suggest that this variant may disrupt the consensus splice site. In summary, the currently available evidence indicates that the variant is pathogenic, but additional data are needed to prove that conclusively. Therefore, this variant has been classified as Likely Pathogenic.

Dr. Peter K. Rogan Lab, Western University
No classification provided (evidence only). Condition: Melanoma. Review status: no classification provided. Collection method: in vitro. Allele origin: not applicable. Functional consequence: retained intron. Not counted in ClinVar's aggregate classification.

Literature cited by the submitters: PubMed 16199547 (cited by Labcorp Genetics (formerly Invitae), Labcorp); PubMed 21855841 (cited by Labcorp Genetics (formerly Invitae), Labcorp); PubMed 25339210 (cited by Labcorp Genetics (formerly Invitae), Labcorp); PubMed 27612211 (cited by Labcorp Genetics (formerly Invitae), Labcorp); PubMed 30414627 (cited by Labcorp Genetics (formerly Invitae), Labcorp); PubMed 30450527 (cited by Labcorp Genetics (formerly Invitae), Labcorp).